The following is an entry in ClinVar:

NM_001105558.1(WEE2):c.300C>T (p.Ser100=)

Genes: WEE2 (WEE2 oocyte meiosis inhibiting kinase; plus strand), WEE2-AS1 (WEE2 antisense RNA 1; minus strand). Cytogenetic location: 7q34.
Variant type: single nucleotide variant.
Coding change: c.300C>T on transcript NM_001105558.1 (MANE Select); coding-DNA position 300, C replaced by T.
Protein change: p.Ser100=; no amino-acid change (serine 100 retained).
Molecular consequence: synonymous variant.
Genome position (GRCh38, 1-based): chr7:141,709,058, C>T. VCF-style: chr7-141709058-C-T. GRCh37 (hg19) VCF-style: chr7-141408858-C-T.
Identifiers: ClinVar variation 3041408 (VCV003041408.2), dbSNP rs200952105, ClinGen allele CA4518178.
Genomic context (GRCh38, chr7:141,709,058, plus strand): 5'-TTTGAGGACTCCAGTGTCACACCCTCTCAAATGTCCTGAGACACCAGCCCAACCAGACAG[C>T]AGGAGCAAGCTGCTGCCCAGTGACAGCCCCTCTACTCCCAAAGTAAGTAAGGGGTGGGGG-3'
Protein context (NP_001099028.1, residues 90-110): KCPETPAQPD[Ser100=]RSKLLPSDSP

ClinVar aggregate classification (germline): Likely benign (0 of 4 stars; one submission).

Conditions:
WEE2-related disorder. Also called: WEE2-related condition.

Allele frequency attached by ClinVar (database versions not stated): TOPMed 0.00005; 1000 Genomes Project 30x 0.00156; 1000 Genomes Project 0.00180.
gnomAD v4.1: 617 of 1,614,100 alleles (0.038%); highest among the groups gnomAD compares: South Asian, 0.63%; 13 homozygotes.

Submission:

PreventionGenetics, part of Exact Sciences
Classification: Likely benign for WEE2-related condition. Last evaluated: 2019-04-05. Review status: no assertion criteria provided. Collection method: clinical testing. Allele origin: germline.
Comment: This variant is classified as likely benign based on ACMG/AMP sequence variant interpretation guidelines (Richards et al. 2015 PMID: 25741868, with internal and published modifications).